The following is an entry in ClinVar:

ClinVar aggregate classification (germline): Uncertain significance (1 of 4 stars; one submission).

Conditions:
Cardiomyopathy (CMYO). Also called: Cardiomyopathies. Identifiers: Orphanet 167848, MedGen C0878544, MONDO:0004994, HP:0001638. Inheritance: Various modes of inheritance.

Submission:

Color Diagnostics, LLC DBA Color Health
Classification: Uncertain significance for Cardiomyopathy. Last evaluated: 2023-12-04. Review status: criteria provided, single submitter. Criteria: ACMG Guidelines, 2015. Collection method: clinical testing. Allele origin: germline.
Comment: This missense variant replaces tyrosine with histidine at codon 2848 of the RYR2 protein. Computational prediction suggests that this variant may have deleterious impact on protein structure and function (internally defined REVEL score threshold >= 0.7, PMID: 27666373). To our knowledge, functional studies have not been reported for this variant. This variant has not been reported in individuals affected with RYR2-related disorders in the literature. This variant has not been identified in the general population by the Genome Aggregation Database (gnomAD). The available evidence is insufficient to determine the role of this variant in disease conclusively. Therefore, this variant is classified as a Variant of Uncertain Significance.

NM_001035.3(RYR2):c.8542T>C (p.Tyr2848His)

Gene: RYR2 (ryanodine receptor 2; plus strand). Cytogenetic location: 1q43.
Variant type: single nucleotide variant.
Coding change: c.8542T>C on transcript NM_001035.3 (MANE Select); coding-DNA position 8542, T replaced by C.
Protein change: p.Tyr2848His; replaces tyrosine 2848 with histidine.
Molecular consequence: missense variant.
Genome position (GRCh38, 1-based): chr1:237,667,910, T>C. VCF-style: chr1-237667910-T-C. GRCh37 (hg19) VCF-style: chr1-237831210-T-C.
Other names: short protein forms Y2848H.
Identifiers: ClinVar variation 919789 (VCV000919789.4), dbSNP rs1684465869, ClinGen allele CA345402455.